The following is an entry in ClinVar:

NM_001042492.3(NF1):c.7705A>G (p.Met2569Val)

Gene: NF1 (neurofibromin 1; plus strand). Cytogenetic location: 17q11.2.
Variant type: single nucleotide variant.
Coding change: c.7705A>G on transcript NM_001042492.3 (MANE Select); coding-DNA position 7705, A replaced by G.
Protein change: p.Met2569Val; replaces methionine 2569 with valine.
Molecular consequence: missense variant.
Genome position (GRCh38, 1-based): chr17:31,356,549, A>G. VCF-style: chr17-31356549-A-G. GRCh37 (hg19) VCF-style: chr17-29683567-A-G.
Other names: c.7642A>G, p.Met2548Val (NM_000267.4); short protein forms M2569V, M2548V.
Identifiers: ClinVar variation 861933 (VCV000861933.6), dbSNP rs2070275038, ClinGen allele CA399018167.

ClinVar aggregate classification (germline): Uncertain significance (1 of 4 stars; one submission).

Conditions:
Neurofibromatosis, type 1 (NF1). Also called: Neurofibromatosis, type I; VON RECKLINGHAUSEN DISEASE; Peripheral type neurofibromatosis; NEUROFIBROMATOSIS, TYPE I, SOMATIC. Identifiers: Orphanet 636, MedGen C0027831, MONDO:0018975, OMIM 162200. Disease mechanism: loss of function.

Allele frequency attached by ClinVar (database versions not stated): gnomAD exomes below 0.00001.
gnomAD v4.1: 1 of 1,613,684 alleles (0.000062%); highest among the groups gnomAD compares: Non-Finnish European, 0.000085%; no homozygotes.

Submission:

Labcorp Genetics (formerly Invitae), Labcorp
Classification: Uncertain significance for Neurofibromatosis, type 1. Last evaluated: 2024-12-29. Review status: criteria provided, single submitter. Criteria: Invitae Variant Classification Sherloc (09022015). Collection method: clinical testing. Allele origin: germline.
Comment: This sequence change replaces methionine, which is neutral and non-polar, with valine, which is neutral and non-polar, at codon 2548 of the NF1 protein (p.Met2548Val). This variant is not present in population databases (gnomAD no frequency). This variant has not been reported in the literature in individuals affected with NF1-related conditions. ClinVar contains an entry for this variant (Variation ID: 861933). Invitae Evidence Modeling of protein sequence and biophysical properties (such as structural, functional, and spatial information, amino acid conservation, physicochemical variation, residue mobility, and thermodynamic stability) indicates that this missense variant is not expected to disrupt NF1 protein function with a negative predictive value of 95%. In summary, the available evidence is currently insufficient to determine the role of this variant in disease. Therefore, it has been classified as a Variant of Uncertain Significance.